The following is an entry in ClinVar:

NM_006488.3(KHK):c.-444C>A

Gene: KHK (ketohexokinase; plus strand). Cytogenetic location: 2p23.3.
Variant type: single nucleotide variant.
Coding change: c.-444C>A on transcript NM_006488.3 (MANE Select); 444 bases upstream of the start codon, C replaced by A.
Molecular consequence: 5 prime UTR variant.
Genome position (GRCh38, 1-based): chr2:27,086,816, C>A. VCF-style: chr2-27086816-C-A. GRCh37 (hg19) VCF-style: chr2-27309684-C-A.
Other names: c.-444C>A (NM_000221.3).
Identifiers: ClinVar variation 335475 (VCV000335475.5), dbSNP rs116365550, ClinGen allele CA10613442.

ClinVar aggregate classification (germline): Benign (1 of 4 stars; one submission).

Conditions:
Essential fructosuria. Also called: HEPATIC FRUCTOKINASE DEFICIENCY; KETOHEXOKINASE DEFICIENCY. Identifiers: Orphanet 2056, MedGen C0268160, MONDO:0009252, OMIM 229800.

Allele frequency attached by ClinVar (database versions not stated): 1000 Genomes Project 0.06130; 1000 Genomes Project 30x 0.06918; gnomAD exomes 0.00472; gnomAD 0.05795 and 0.06226; TOPMed 0.06613.

Submission:

Illumina Laboratory Services, Illumina
Classification: Benign for Essential fructosuria. Last evaluated: 2018-01-13. Review status: criteria provided, single submitter. Criteria: ICSL Variant Classification Criteria 13 December 2019. Collection method: clinical testing. Allele origin: germline.
Comment: This variant was observed in the ICSL laboratory as part of a predisposition screen in an ostensibly healthy population. It had not been previously curated by ICSL or reported in the Human Gene Mutation Database (HGMD: prior to June 1st, 2018), and was therefore a candidate for classification through an automated scoring system. Utilizing variant allele frequency, disease prevalence and penetrance estimates, and inheritance mode, an automated score was calculated to assess if this variant is too frequent to cause the disease. Based on the score and internal cut-off values, a variant classified as benign is not then subjected to further curation. The score for this variant resulted in a classification of benign for this disease.